The following is an entry in ClinVar:

ClinVar aggregate classification (germline): Uncertain significance (1 of 4 stars; one submission).

Conditions:
Familial thoracic aortic aneurysm and aortic dissection (TAAD). Also called: Thoracic aortic aneurysms and dissections. Identifiers: Orphanet 91387, MedGen C4707243, MONDO:0019625.
Hereditary cancer-predisposing syndrome. Also called: Neoplastic Syndromes, Hereditary; Tumor predisposition; Hereditary neoplastic syndrome; Hereditary Cancer Syndrome. Identifiers: Orphanet 140162, MedGen C0027672, MeSH D009386, MONDO:0015356.

Submission:

Ambry Genetics
Classification: Uncertain significance for Hereditary cancer-predisposing syndrome; Familial thoracic aortic aneurysm and aortic dissection. Last evaluated: 2025-06-01. Review status: criteria provided, single submitter. Criteria: Ambry Variant Classification Scheme 2023. Collection method: clinical testing. Allele origin: germline.
Comment: The p.Q239K variant (also known as c.715C>A), located in coding exon 5 of the SMAD4 gene, results from a C to A substitution at nucleotide position 715. The glutamine at codon 239 is replaced by lysine, an amino acid with similar properties. This amino acid position is conserved. In addition, the in silico prediction for this alteration is inconclusive. Based on the available evidence, the clinical significance of this variant remains unclear.

NM_005359.6(SMAD4):c.715C>A (p.Gln239Lys)

Gene: SMAD4 (SMAD family member 4; plus strand). Cytogenetic location: 18q21.2.
Variant type: single nucleotide variant.
Coding change: c.715C>A on transcript NM_005359.6 (MANE Select); coding-DNA position 715, C replaced by A.
Protein change: p.Gln239Lys; replaces glutamine 239 with lysine.
Molecular consequence: missense variant. On other transcripts: non-coding transcript variant (2).
Genome position (GRCh38, 1-based): chr18:51,058,172, C>A. VCF-style: chr18-51058172-C-A. GRCh37 (hg19) VCF-style: chr18-48584542-C-A.
Other names: c.715C>A, p.Gln239Lys (NM_001407041.1, NM_001407042.1, NM_001407043.1); short protein forms Q239K.
Identifiers: ClinVar variation 4046362 (VCV004046362.1).